The following is an entry in ClinVar:

ClinVar aggregate classification (germline): Likely pathogenic (1 of 4 stars; one submission).

Conditions:
Congenital myopathy 4B, autosomal recessive. Also called: Nemaline myopathy 1, autosomal dominant or recessive. Identifiers: Orphanet 171433, Orphanet 171439, Orphanet 171881, MedGen C5829889, MONDO:0012239, OMIM 609284.
Congenital myopathy with fiber type disproportion. Also called: Congenital fiber-type disproportion myopathy; Congenital fiber-type disproportion. Identifiers: Orphanet 2020, MedGen C0546264, MONDO:0009711. Inheritance: all.

Submission:

Labcorp Genetics (formerly Invitae), Labcorp
Classification: Likely pathogenic for Congenital myopathy with fiber type disproportion; Congenital myopathy 4B, autosomal recessive. Last evaluated: 2024-01-21. Review status: criteria provided, single submitter. Criteria: Invitae Variant Classification Sherloc (09022015). Collection method: clinical testing. Allele origin: unknown.
Comment: This variant results in a copy number gain of the genomic region encompassing exon(s) 3 of the TPM3 gene. While the exact position of this variant cannot be determined from the data, sub-genic copy number gains are generally in tandem (PMID: 25640679). This variant is predicted to be out-of-frame, and may result in an absent or disrupted protein product. Loss-of-function variants in TPM3 are known to be pathogenic (PMID: 10619715, 27858751). This variant has not been reported in the literature in individuals affected with TPM3-related conditions. In summary, the currently available evidence indicates that the variant is pathogenic, but additional data are needed to prove that conclusively. Therefore, this variant has been classified as Likely Pathogenic.

Literature cited by the submitters: PubMed 25640679; PubMed 10619715; PubMed 27858751.

NC_000001.10:g.(?_154148571)_(154148744_?)dup

Gene: TPM3 (tropomyosin 3; minus strand). Cytogenetic location: 1q21.3.
Variant type: Duplication.
Identifiers: ClinVar variation 3247695 (VCV003247695.1).